The following is an entry in ClinVar:

ClinVar aggregate classification (germline): Uncertain significance (1 of 4 stars; one submission).

Submission:

Labcorp Genetics (formerly Invitae), Labcorp
Classification: Uncertain significance. Last evaluated: 2024-08-08. Review status: criteria provided, single submitter. Criteria: Invitae Variant Classification Sherloc (09022015). Collection method: clinical testing. Allele origin: germline.
Comment: This sequence change replaces leucine, which is neutral and non-polar, with valine, which is neutral and non-polar, at codon 556 of the MCM5 protein (p.Leu556Val). This variant is not present in population databases (gnomAD no frequency). This variant has not been reported in the literature in individuals affected with MCM5-related conditions. Advanced modeling of protein sequence and biophysical properties (such as structural, functional, and spatial information, amino acid conservation, physicochemical variation, residue mobility, and thermodynamic stability) performed at Invitae indicates that this missense variant is not expected to disrupt MCM5 protein function with a negative predictive value of 80%. In summary, the available evidence is currently insufficient to determine the role of this variant in disease. Therefore, it has been classified as a Variant of Uncertain Significance.

NM_006739.4(MCM5):c.1666C>G (p.Leu556Val)

Gene: MCM5 (minichromosome maintenance complex component 5; plus strand). Cytogenetic location: 22q12.3.
Variant type: single nucleotide variant.
Coding change: c.1666C>G on transcript NM_006739.4 (MANE Select); coding-DNA position 1666, C replaced by G.
Protein change: p.Leu556Val; replaces leucine 556 with valine.
Molecular consequence: missense variant.
Genome position (GRCh38, 1-based): chr22:35,417,819, C>G. VCF-style: chr22-35417819-C-G. GRCh37 (hg19) VCF-style: chr22-35813812-C-G.
Other names: short protein forms L556V.
Identifiers: ClinVar variation 3696268 (VCV003696268.2).